The following is an entry in ClinVar:

ClinVar aggregate classification (germline): Uncertain significance (1 of 4 stars; one submission).

Submission:

CeGaT Center for Human Genetics Tuebingen
Classification: Uncertain significance. Last evaluated: 2023-02-01. Review status: criteria provided, single submitter. Criteria: CeGaT Center For Human Genetics Tuebingen Variant Classification Criteria Version 2. Collection method: clinical testing. Allele origin: germline. Affected: yes. Observed: 1 variant allele.
Comment: SHOC2: PM2

NM_007373.4(SHOC2):c.11G>A (p.Ser4Asn)

Gene: SHOC2 (SHOC2 leucine rich repeat scaffold protein; plus strand). Cytogenetic location: 10q25.2.
Variant type: single nucleotide variant.
Coding change: c.11G>A on transcript NM_007373.4 (MANE Select); coding-DNA position 11, G replaced by A.
Protein change: p.Ser4Asn; replaces serine 4 with asparagine.
Molecular consequence: missense variant.
Genome position (GRCh38, 1-based): chr10:110,964,369, G>A. VCF-style: chr10-110964369-G-A. GRCh37 (hg19) VCF-style: chr10-112724127-G-A.
Other names: c.11G>A, p.Ser4Asn (NM_001269039.3, NM_001324336.2, NM_001324337.2); short protein forms S4N.
Identifiers: ClinVar variation 2640834 (VCV002640834.24), dbSNP rs1458057852, ClinGen allele CA378380168.